The following is an entry in ClinVar:

NM_001174147.2(LMX1B):c.257G>A (p.Cys86Tyr)

Gene: LMX1B (LIM homeobox transcription factor 1 beta; plus strand). Cytogenetic location: 9q33.3.
Variant type: single nucleotide variant.
Coding change: c.257G>A on transcript NM_001174147.2 (MANE Select); coding-DNA position 257, G replaced by A.
Protein change: p.Cys86Tyr; replaces cysteine 86 with tyrosine.
Molecular consequence: missense variant.
Genome position (GRCh38, 1-based): chr9:126,615,500, G>A. VCF-style: chr9-126615500-G-A. GRCh37 (hg19) VCF-style: chr9-129377779-G-A.
Other names: c.257G>A, p.Cys86Tyr (NM_001174146.2, NM_002316.4); short protein forms C86Y.
Identifiers: ClinVar variation 432312 (VCV000432312.3), dbSNP rs1554721897, ClinGen allele CA374910098.
Genomic context (GRCh38, chr9:126,615,500, plus strand): 5'-GCTTCCTGATGCGAGTCAACGAGTCGTCCTGGCACGAGGAGTGTTTGCAGTGCGCGGCGT[G>A]TCAGCAAGCCCTCACCACCAGCTGCTACTTCCGGGATCGGAAACTGTACTGCAAACAAGA-3'
Protein context (NP_001167618.1, residues 76-96): WHEECLQCAA[Cys86Tyr]QQALTTSCYF

ClinVar aggregate classification (germline): Likely pathogenic. Review status: criteria provided, multiple submitters, no conflicts (2 of 4 stars). 2 submissions from 2 submitters: Likely pathogenic (2). Last evaluated 2024-11-08.

Conditions:
LMX1B-related disorder. Also called: LMX1B-related condition.

Submissions (2):

Blueprint Genetics
Classification: Likely pathogenic for LMX1B-related disorders. Last evaluated: 2024-11-08. Review status: criteria provided, single submitter. Criteria: ACMG Guidelines, 2015. Collection method: clinical testing. Allele origin: germline. Affected: yes. Observed: 2 variant alleles.

GeneDx
Classification: Likely pathogenic. Last evaluated: 2017-06-02. Review status: criteria provided, single submitter. Criteria: GeneDx Variant Classification (06012015). Collection method: clinical testing. Allele origin: germline. Affected: yes.
Comment: The C86Y variant in the LMX1B gene has not been reported previously as a pathogenic variant nor as a benign variant, to our knowledge. However, missense variants at this same codon (C86R and C86G) as well as missense variants in neighboring codons (L81W, C83R, C83G, C83F, C83Y, and L90F) have been reported in the Human Gene Mutation Database in association with nail patella syndrome (Clough et al., 1999; Bongers et al., 2005; Stenson et al., 2014). The C86Y variant is not observed in large population cohorts (Lek et al., 2016; 1000 Genomes Consortium et al., 2015; Exome Variant Server). The C86Y variant is a non-conservative amino acid substitution, which occurs at a position that is conserved across species. In silico analysis predicts this variant is probably damaging to the protein structure/function. We interpret C86Y as a likely pathogenic variant.